The following is an entry in ClinVar:

NM_172364.5(CACNA2D4):c.1916C>T (p.Thr639Met)

Gene: CACNA2D4 (calcium voltage-gated channel auxiliary subunit alpha2delta 4; minus strand). Cytogenetic location: 12p13.33.
Variant type: single nucleotide variant.
Coding change: c.1916C>T on transcript NM_172364.5 (MANE Select); coding-DNA position 1916, C replaced by T.
Protein change: p.Thr639Met; replaces threonine 639 with methionine.
Molecular consequence: missense variant.
Genome position (GRCh38, 1-based): chr12:1,860,169, G>A on the plus strand (C>T on the coding strand, the complement: CACNA2D4 is on the minus strand). VCF-style: chr12-1860169-G-A. GRCh37 (hg19) VCF-style: chr12-1969335-G-A.
Other names: c.1916C>T (NM_172364.4); short protein forms T639M.
Identifiers: ClinVar variation 1498904 (VCV001498904.8), dbSNP rs368279074, ClinGen allele CA6386946.
Genomic context (GRCh38, chr12:1,860,169, plus strand): 5'-CCCTCACCCCGTGCAAATAAAGCCTGTGTCCCTCACCTGAAAGGGGTGTCGCTGATGTCC[G>A]TGAAGAAGTAGTCATTGGTCAGGAAAAGAACTCGCTTCTGAAAGAGTAGACAAGGAAAGA-3'
Protein context (NP_758952.4, residues 629-649): VLFLTNDYFF[Thr639Met]DISDTPFSLG

ClinVar aggregate classification (germline): Uncertain significance. Review status: criteria provided, multiple submitters, no conflicts (2 of 4 stars). 3 submissions from 3 submitters: Uncertain significance (3). Last evaluated 2024-10-10.

Conditions:
Inborn genetic diseases. Identifiers: MedGen C0950123, MeSH D030342.

Allele frequency attached by ClinVar (database versions not stated): ExAC 0.00001; gnomAD exomes 0.00001 and 0.00002; TOPMed 0.00002; gnomAD 0.00003; ESP Exome Variant Server 0.00008.
gnomAD v4.1: 14 of 1,613,530 alleles (0.00087%); highest among the groups gnomAD compares: African/African-American, 0.0013%; no homozygotes.

Submissions (3):

Labcorp Genetics (formerly Invitae), Labcorp
Classification: Uncertain significance. Last evaluated: 2024-10-10. Review status: criteria provided, single submitter. Criteria: Invitae Variant Classification Sherloc (09022015). Collection method: clinical testing. Allele origin: germline.
Comment: This sequence change replaces threonine, which is neutral and polar, with methionine, which is neutral and non-polar, at codon 639 of the CACNA2D4 protein (p.Thr639Met). This variant is present in population databases (rs368279074, gnomAD 0.007%). This variant has not been reported in the literature in individuals affected with CACNA2D4-related conditions. ClinVar contains an entry for this variant (Variation ID: 1498904). An algorithm developed to predict the effect of missense changes on protein structure and function (PolyPhen-2) suggests that this variant is likely to be disruptive. In summary, the available evidence is currently insufficient to determine the role of this variant in disease. Therefore, it has been classified as a Variant of Uncertain Significance.

Blueprint Genetics
Classification: Uncertain significance. Last evaluated: 2024-07-25. Review status: criteria provided, single submitter. Criteria: ACMG Guidelines, 2015. Collection method: clinical testing. Allele origin: germline.

Ambry Genetics
Classification: Uncertain significance for Inborn genetic diseases. Last evaluated: 2023-08-04. Review status: criteria provided, single submitter. Criteria: Ambry Variant Classification Scheme 2023. Collection method: clinical testing. Allele origin: germline.